The following is an entry in ClinVar:

ClinVar aggregate classification (germline): Pathogenic. Review status: reviewed by expert panel (3 of 4 stars). 21 submissions from 21 submitters: Pathogenic (1). 20 of the submissions do not count toward it. Last evaluated 2016-04-22.

Conditions:
Ovarian neoplasm. Also called: Ovarian Neoplasms; Neoplasm of ovary; Ovarian tumor. Identifiers: MedGen C0919267, MeSH D010051, MONDO:0021068, HP:0100615.
Inherited breast cancer and ovarian cancer.
BRCA1-related cancer predisposition. Identifiers: MedGen CN377757, MONDO:0700268.
Hereditary cancer-predisposing syndrome. Also called: Hereditary Cancer Syndrome; Hereditary neoplastic syndrome; Neoplastic Syndromes, Hereditary; Tumor predisposition. Identifiers: Orphanet 140162, MedGen C0027672, MeSH D009386, MONDO:0015356.
Breast-ovarian cancer, familial, susceptibility to, 1 (BROVCA1). Also called: BRCA1 Hereditary Breast and Ovarian Cancer; OVARIAN CANCER, SUSCEPTIBILITY TO. Identifiers: Orphanet 145, MedGen C2676676, MONDO:0011450, OMIM 604370. Disease mechanism: loss of function.
Hereditary breast ovarian cancer syndrome. Also called: BRCA1- and BRCA2-Associated Hereditary Breast and Ovarian Cancer; Hereditary breast and ovarian cancer syndrome; Hereditary breast and ovarian cancer syndrome (HBOC); Breast and ovarian cancer; Hereditary breast and/or ovarian cancer syndrome; Hereditary breast and ovarian cancer. Identifiers: Orphanet 145, MedGen C0677776, MeSH D061325, MONDO:0003582. Disease mechanism: loss of function.

Allele frequency attached by ClinVar (database versions not stated): gnomAD exomes below 0.00001; TOPMed below 0.00001; ExAC 0.00001; 1000 Genomes Project 0.00020; gnomAD 0.00001; 1000 Genomes Project 30x 0.00016.
gnomAD v4.1: 3 of 1,613,790 alleles (0.00019%); highest among the groups gnomAD compares: East Asian, 0.0022%; no homozygotes.

Submissions 1 to 9 of 22:

Evidence-based Network for the Interpretation of Germline Mutant Alleles (ENIGMA)
Classification: Pathogenic for Breast-ovarian cancer, familial, susceptibility to, 1. Last evaluated: 2016-04-22. Review status: reviewed by expert panel. Criteria: ENIGMA BRCA1/2 Classification Criteria (2015). Collection method: curation. Allele origin: germline.
Comment: Variant allele predicted to encode a truncated non-functional protein.

Institute of Human Genetics, University of Leipzig Medical Center
Classification: Pathogenic for Breast-ovarian cancer, familial, susceptibility to, 1. Last evaluated: 2026-06-03. Review status: criteria provided, single submitter. Criteria: ACMG Guidelines, 2015. Collection method: clinical testing. Allele origin: maternal. Inheritance: Autosomal dominant inheritance. Affected: yes. Not counted in ClinVar's aggregate classification.
Comment: Criteria applied: PVS1,PM5_STR

Ambry Genetics
Classification: Pathogenic for Hereditary cancer-predisposing syndrome. Last evaluated: 2025-12-03. Review status: criteria provided, single submitter. Criteria: Ambry Variant Classification Scheme 2023. Collection method: clinical testing. Allele origin: germline. Not counted in ClinVar's aggregate classification.
Comment: The p.Q12* pathogenic mutation (also known as c.34C>T) located in coding exon 1 of the BRCA1 gene, results from a C to T substitution at nucleotide position 34. This changes the amino acid from a glutamine to a stop codon within coding exon 1. This alteration has been reported in multiple individuals diagnosed with breast and/or ovarian cancers and HBOC families (Adem C et al. Cancer. 2003 Jan;97:1-11; Cunningham JM et al. Sci. Rep. 2014 Feb;4:4026; Gabald&oacute; Barrios X et al. Fam. Cancer. 2017 10;16:477-489; Singh J et al. Breast Cancer Res. Treat. 2018 Jul;170:189-196; Bhaskaran SP et al. Int. J. Cancer. 2019 Jan [Epub ahead of print]). This alteration was also identified in a large, worldwide study of BRCA1/2 mutation positive families (Rebbeck TR et al. Hum. Mutat. 2018 05;39:593-620). In addition to the clinical data presented in the literature, this alteration is expected to result in loss of function by premature protein truncation or nonsense-mediated mRNA decay. As such, this alteration is interpreted as a disease-causing mutation.

Genetics Laboratory, Great Ormond Street Hospital NHS Foundation Trust, North Thames Genomic Laboratory Hub
Classification: Pathogenic for Inherited breast cancer and ovarian cancer. Last evaluated: 2025-09-18. Review status: criteria provided, single submitter. Criteria: CanVIG BRCA Gene Specific V1.22. Collection method: clinical testing. Allele origin: germline. Affected: yes. Not counted in ClinVar's aggregate classification.
Comment: PM2_supporting, PVS1_very-strong, PM5_strong, PS3_strong

Labcorp Genetics (formerly Invitae), Labcorp
Classification: Pathogenic for Hereditary breast ovarian cancer syndrome. Last evaluated: 2025-09-15. Review status: criteria provided, single submitter. Criteria: Invitae Variant Classification Sherloc (09022015). Collection method: clinical testing. Allele origin: germline. Not counted in ClinVar's aggregate classification.
Comment: This sequence change creates a premature translational stop signal (p.Gln12*) in the BRCA1 gene. It is expected to result in an absent or disrupted protein product. Loss-of-function variants in BRCA1 are known to be pathogenic (PMID: 20104584). This variant is not present in population databases (gnomAD no frequency). This premature translational stop signal has been observed in individual(s) with breast and/or ovarian cancer (PMID: 12491499, 12672316, 24504028, 25777348, 28477318, 29470806). This variant is also known as Q12X and 153C>T. ClinVar contains an entry for this variant (Variation ID: 54902). Algorithms developed to predict the effect of sequence changes on RNA splicing suggest that this variant may disrupt the consensus splice site. For these reasons, this variant has been classified as Pathogenic.

All of Us Research Program, National Institutes of Health
Classification: Pathogenic for BRCA1-related cancer predisposition. Last evaluated: 2024-09-16. Review status: criteria provided, single submitter. Criteria: ACMG Guidelines, 2015. Collection method: clinical testing. Allele origin: germline. Inheritance: Autosomal dominant inheritance. Observed: 2 variant alleles, 2 heterozygotes. Not counted in ClinVar's aggregate classification.
Comment: This variant changes 1 nucleotide in exon 2 of the BRCA1 gene, creating a premature translation stop signal. This variant is expected to result in an absent or non-functional protein product. This variant is also known as 153C>T in the literature. Functional studies have reported the variant protein as loss-of-function in E3 ubiquitin ligase and BARD1 binding assays and a haploid cell proliferation assay (PMID: 25823446, 30209399, 35659930). This variant has been observed in multiple individuals and families affected with breast, ovarian and fallopian tube cancers (PMID: 12097257, 12491499, 12672316, 16615107, 24504028, 26187060, 28477318, 29470806). This variant has been identified in 1/251122 chromosomes in the general population by the Genome Aggregation Database (gnomAD). Loss of BRCA1 function is a known mechanism of disease. Based on the available evidence, this variant is classified as Pathogenic.

This study involves interpretation of variants in research participants for the purpose of population health screening. Participant phenotype was not available at the time of variant classification. Additional details can be found in publication PMID: 35346344, PMCID: PMC8962531

Color Diagnostics, LLC DBA Color Health
Classification: Pathogenic for Hereditary cancer-predisposing syndrome. Last evaluated: 2024-07-30. Review status: criteria provided, single submitter. Criteria: ACMG Guidelines, 2015. Collection method: clinical testing. Allele origin: germline. Not counted in ClinVar's aggregate classification.
Comment: This variant changes 1 nucleotide in exon 2 of the BRCA1 gene, creating a premature translation stop signal. This variant is expected to result in an absent or non-functional protein product. This variant is also known as 153C>T in the literature. Functional studies have reported the variant protein as loss-of-function in E3 ubiquitin ligase and BARD1 binding assays and a haploid cell proliferation assay (PMID: 25823446, 30209399, 35659930). This variant has been observed in multiple individuals and families affected with breast, ovarian and fallopian tube cancers (PMID: 12097257, 12491499, 12672316, 16615107, 24504028, 26187060, 28477318, 29470806). This variant has been identified in 1/251122 chromosomes in the general population by the Genome Aggregation Database (gnomAD). Loss of BRCA1 function is a known mechanism of disease. Based on the available evidence, this variant is classified as Pathogenic.

Baylor Genetics
Classification: Pathogenic for Breast-ovarian cancer, familial, susceptibility to, 1. Last evaluated: 2023-10-05. Review status: criteria provided, single submitter. Criteria: ACMG Guidelines, 2015. Collection method: clinical testing. Allele origin: unknown. Not counted in ClinVar's aggregate classification.

GeneDx
Classification: Pathogenic. Last evaluated: 2023-04-07. Review status: criteria provided, single submitter. Criteria: GeneDx Variant Classification Process June 2021. Collection method: clinical testing. Allele origin: germline. Affected: yes. Not counted in ClinVar's aggregate classification.
Comment: Nonsense variant predicted to result in protein truncation or nonsense mediated decay in a gene for which loss of function is a known mechanism of disease; Reported in individuals with breast and/or ovarian cancer (Adem et al., 2003; Cunningham et al., 2014; Kwong et al., 2016; Singh et al., 2018; De Talhouet et al., 2020; Evans et al., 2022); Published functional studies demonstrate a damaging effect: classified as non-functional based on a saturation genome editing (SGE) assay measuring cell survival (Findlay et al., 2018); Not observed at significant frequency in large population cohorts (gnomAD); Truncating variants in this gene are considered pathogenic by a well-established clinical consortium and/or database; Also known as 153C>T; This variant is associated with the following publications: (PMID: 27157322, 12491499, 24504028, 16615107, 12672316, 30720863, 29446198, 30702160, 29922827, 28477318, 31825140, 30078507, 32341426, 33758026, 29470806, 30209399, 25823446)

NM_007294.4(BRCA1):c.34C>T (p.Gln12Ter)

Gene: BRCA1 (BRCA1 DNA repair associated; minus strand). Cytogenetic location: 17q21.31.
Variant type: single nucleotide variant.
Coding change: c.34C>T on transcript NM_007294.4 (MANE Select); coding-DNA position 34, C replaced by T.
Protein change: p.Gln12Ter; replaces glutamine 12 with a stop codon.
Molecular consequence: nonsense. On other transcripts: 5 prime UTR variant (1), non-coding transcript variant (1).
Genome position (GRCh38, 1-based): chr17:43,124,063, G>A on the plus strand (C>T on the coding strand, the complement: BRCA1 is on the minus strand). VCF-style: chr17-43124063-G-A. GRCh37 (hg19) VCF-style: chr17-41276080-G-A.
Other names: 153C>T; c.34C>T, p.Gln12Ter (NM_001408451.1, NM_001408472.1, NM_001408473.1 and 193 more transcripts); c.-227C>T (NM_001408452.1, NM_001408462.1, NM_001408463.1 and 22 more transcripts); c.-54C>T (NM_001408454.1, NM_001408459.1, NM_001408460.1 and 23 more transcripts); c.-224C>T (NM_001408455.1, NM_001408456.1, NM_001408468.1 and 11 more transcripts); c.-228C>T (NM_001408465.1, NM_001407695.1); c.-155C>T (NM_001408478.1, NM_001408479.1, NM_001408480.1 and 46 more transcripts); c.-300C>T (NM_001408482.1); and 9 more; short protein forms Q12*.
Identifiers: ClinVar variation 54902 (VCV000054902.46), dbSNP rs80357134, ClinGen allele CA002251.